The following is an entry in ClinVar:

ClinVar aggregate classification (germline): Uncertain significance (1 of 4 stars; one submission).

Conditions:
Hypertrophic cardiomyopathy 19. Also called: Familial hypertrophic cardiomyopathy 19. Identifiers: MedGen CN077603, MONDO:0013476.

Submission:

Labcorp Genetics (formerly Invitae), Labcorp
Classification: Uncertain significance for Familial hypertrophic cardiomyopathy 19. Last evaluated: 2019-05-07. Review status: criteria provided, single submitter. Criteria: Invitae Variant Classification Sherloc (09022015). Collection method: clinical testing. Allele origin: germline.
Comment: This variant is a gross duplication of the genomic region encompassing exons 1-7 of the CALR3 gene. The 5' end of this event is unknown as it extends beyond the assayed region for this gene and therefore may encompass additional genes. The 3' boundary is likely confined to intron 7 of the CALR3 gene. This variant has not been reported in the literature in individuals with a CALR3-related disease. Experimental studies and prediction algorithms are not available for this variant, and the functional significance of the duplicated amino acids is currently unknown. In summary, the exact genomic location of this variant is unknown and the impact of this duplication on CALR3 protein function has not been established. Therefore, it has been classified as a Variant of Uncertain Significance.

NC_000019.10:g.(?_16482440)_(16496139_?)dup

Gene: CALR3 (calreticulin 3; minus strand). Cytogenetic location: 19p13.11.
Variant type: Duplication.
Identifiers: ClinVar variation 833508 (VCV000833508.1).